The following is an entry in ClinVar:

ClinVar aggregate classification (germline): Uncertain significance (1 of 4 stars; one submission).

Conditions:
STT3B-congenital disorder of glycosylation. Also called: STT3B-CDG; CDG Ix; Congenital disorder of glycosylation type 1x. Identifiers: Orphanet 370924, MedGen C2931007, MONDO:0014271, OMIM 615597.

gnomAD v4.1: 1 of 1,609,178 alleles (0.000062%); highest among the groups gnomAD compares: Admixed American, 0.0017%; no homozygotes.

Submission:

Labcorp Genetics (formerly Invitae), Labcorp
Classification: Uncertain significance for STT3B-congenital disorder of glycosylation. Last evaluated: 2025-05-13. Review status: criteria provided, single submitter. Criteria: Invitae Variant Classification Sherloc (09022015). Collection method: clinical testing. Allele origin: germline.
Comment: This sequence change replaces valine, which is neutral and non-polar, with alanine, which is neutral and non-polar, at codon 300 of the STT3B protein (p.Val300Ala). This variant is present in population databases (no rsID available, gnomAD 0.003%). This variant has not been reported in the literature in individuals affected with STT3B-related conditions. Invitae Evidence Modeling of protein sequence and biophysical properties (such as structural, functional, and spatial information, amino acid conservation, physicochemical variation, residue mobility, and thermodynamic stability) indicates that this missense variant is expected to disrupt STT3B protein function with a positive predictive value of 80%. In summary, the available evidence is currently insufficient to determine the role of this variant in disease. Therefore, it has been classified as a Variant of Uncertain Significance.

NM_178862.3(STT3B):c.899T>C (p.Val300Ala)

Gene: STT3B (STT3 oligosaccharyltransferase complex catalytic subunit B; plus strand). Cytogenetic location: 3p23.
Variant type: single nucleotide variant.
Coding change: c.899T>C on transcript NM_178862.3 (MANE Select); coding-DNA position 899, T replaced by C.
Protein change: p.Val300Ala; replaces valine 300 with alanine.
Molecular consequence: missense variant.
Genome position (GRCh38, 1-based): chr3:31,615,126, T>C. VCF-style: chr3-31615126-T-C. GRCh37 (hg19) VCF-style: chr3-31656618-T-C.
Other names: short protein forms V300A.
Identifiers: ClinVar variation 4703876 (VCV004703876.1).
Genomic context (GRCh38, chr3:31,615,126, plus strand): 5'-AGTAGTAAATTATCCTTGTTTCCTATTTTGTCTTTATAGCATATAGCACTTTCTACATTG[T>C]GGGTTTAATATTATCAATGCAGATACCTTTTGTGGGATTCCAGCCAATCAGAACAAGTGA-3'
Protein context (NP_849193.1, residues 290-310): VYIAYSTFYI[Val300Ala]GLILSMQIPF